The following is an entry in ClinVar:

ClinVar aggregate classification (germline): Uncertain significance (1 of 4 stars; one submission).

Allele frequency attached by ClinVar (database versions not stated): gnomAD exomes below 0.00001.
gnomAD v4.1: 1 of 1,595,546 alleles (0.000063%); highest among the groups gnomAD compares: South Asian, 0.0011%; no homozygotes.

Submission:

Ambry Genetics
Classification: Uncertain significance. Last evaluated: 2022-02-26. Review status: criteria provided, single submitter. Criteria: Ambry Variant Classification Scheme 2023. Collection method: clinical testing. Allele origin: germline.
Comment: The p.L18P variant (also known as c.53T>C), located in coding exon 1 of the FAM175A gene, results from a T to C substitution at nucleotide position 53. The leucine at codon 18 is replaced by proline, an amino acid with similar properties. This amino acid position is conserved. In addition, this alteration is predicted to be deleterious by in silico analysis. Since supporting evidence is limited at this time, the clinical significance of this alteration remains unclear.

NM_139076.3(ABRAXAS1):c.53T>C (p.Leu18Pro)

Genes: ABRAXAS1 (abraxas 1, BRCA1 A complex subunit; minus strand), LOC129992784 (ATAC-STARR-seq lymphoblastoid silent region 15542; plus strand). Cytogenetic location: 4q21.23.
Variant type: single nucleotide variant.
Coding change: c.53T>C on transcript NM_139076.3 (MANE Select); coding-DNA position 53, T replaced by C.
Protein change: p.Leu18Pro; replaces leucine 18 with proline.
Molecular consequence: missense variant. On other transcripts: 5 prime UTR variant (1).
Genome position (GRCh38, 1-based): chr4:83,485,020, A>G on the plus strand (T>C on the coding strand, the complement: ABRAXAS1 is on the minus strand). VCF-style: chr4-83485020-A-G. GRCh37 (hg19) VCF-style: chr4-84406173-A-G.
Other names: c.-208T>C (NM_001345962.2); short protein forms L18P.
Identifiers: ClinVar variation 1799993 (VCV001799993.2), dbSNP rs2529472751, ClinGen allele CA357263977.